The following is an entry in ClinVar:

ClinVar aggregate classification (germline): Uncertain significance (1 of 4 stars; one submission).

Submission:

Labcorp Genetics (formerly Invitae), Labcorp
Classification: Uncertain significance. Last evaluated: 2024-11-21. Review status: criteria provided, single submitter. Criteria: Invitae Variant Classification Sherloc (09022015). Collection method: clinical testing. Allele origin: germline.
Comment: This sequence change replaces glycine, which is neutral and non-polar, with aspartic acid, which is acidic and polar, at codon 28 of the PSMG2 protein (p.Gly28Asp). This variant is not present in population databases (gnomAD no frequency). This variant has not been reported in the literature in individuals affected with PSMG2-related conditions. ClinVar contains an entry for this variant (Variation ID: 1974926). An algorithm developed to predict the effect of missense changes on protein structure and function (PolyPhen-2) suggests that this variant is likely to be disruptive. In summary, the available evidence is currently insufficient to determine the role of this variant in disease. Therefore, it has been classified as a Variant of Uncertain Significance.

NM_020232.5(PSMG2):c.83G>A (p.Gly28Asp)

Gene: PSMG2 (proteasome assembly chaperone 2; plus strand). Cytogenetic location: 18p11.21.
Variant type: single nucleotide variant.
Coding change: c.83G>A on transcript NM_020232.5 (MANE Select); coding-DNA position 83, G replaced by A.
Protein change: p.Gly28Asp; replaces glycine 28 with aspartic acid.
Molecular consequence: missense variant. On other transcripts: 5 prime UTR variant (1).
Genome position (GRCh38, 1-based): chr18:12,706,575, G>A. VCF-style: chr18-12706575-G-A. GRCh37 (hg19) VCF-style: chr18-12706574-G-A.
Other names: c.-11G>A (NM_147163.2); short protein forms G28D.
Identifiers: ClinVar variation 1974926 (VCV001974926.5), dbSNP rs2510987211, ClinGen allele CA401964699.